The following is an entry in ClinVar:

NM_001370100.5(ZMYND11):c.656A>T (p.Asp219Val)

Gene: ZMYND11 (zinc finger MYND-type containing 11; plus strand). Cytogenetic location: 10p15.3.
Variant type: single nucleotide variant.
Coding change: c.656A>T on transcript NM_001370100.5 (MANE Select); coding-DNA position 656, A replaced by T.
Protein change: p.Asp219Val; replaces aspartic acid 219 with valine.
Molecular consequence: missense variant. On other transcripts: non-coding transcript variant (1), intron variant (2).
Genome position (GRCh38, 1-based): chr10:239,484, A>T. VCF-style: chr10-239484-A-T. GRCh37 (hg19) VCF-style: chr10-285424-A-T.
Other names: c.656A>T, p.Asp219Val (NM_001370101.2, NM_001370102.2, NM_001370097.3 and 9 more transcripts); c.494A>T, p.Asp165Val (NM_001370103.2, NM_001370104.2, NM_001370105.2 and 8 more transcripts); c.401A>T, p.Asp134Val (NM_001370110.2, NM_001202465.3); c.605A>T, p.Asp202Val (NM_001330057.3, NM_001370112.2); c.563A>T, p.Asp188Val (NM_001370113.2, NM_001370114.2); c.590A>T, p.Asp197Val (NM_001370116.2); c.536A>T, p.Asp179Val (NM_001370118.2); c.428A>T, p.Asp143Val (NM_001370120.2); and 4 more; short protein forms D125V, D134V, D143V, D165V, D179V, D188V, D197V, D202V.
Identifiers: ClinVar variation 2428927 (VCV002428927.4), dbSNP rs2539833157, ClinGen allele CA375845297.

ClinVar aggregate classification (germline): Uncertain significance (1 of 4 stars; one submission).

Submission:

GeneDx
Classification: Uncertain significance. Last evaluated: 2026-05-11. Review status: criteria provided, single submitter. Criteria: GeneDx Variant Classification Process June 2021. Collection method: clinical testing. Allele origin: germline.
Comment: Not observed at significant frequency in large population cohorts (gnomAD); In silico analysis supports that this missense variant has a deleterious effect on protein structure/function; Has not been previously published as pathogenic or benign to our knowledge